The following is an entry in ClinVar:

ClinVar aggregate classification (germline): Uncertain significance. Review status: criteria provided, multiple submitters, no conflicts (2 of 4 stars). 2 submissions from 2 submitters: Uncertain significance (2). Last evaluated 2023-03-02.

Conditions:
Hereditary cancer-predisposing syndrome. Also called: Hereditary Cancer Syndrome; Hereditary neoplastic syndrome; Neoplastic Syndromes, Hereditary; Tumor predisposition. Identifiers: Orphanet 140162, MedGen C0027672, MeSH D009386, MONDO:0015356.

Allele frequency attached by ClinVar (database versions not stated): gnomAD exomes below 0.00001; ExAC 0.00002.
gnomAD v4.1: 2 of 1,608,074 alleles (0.00012%); highest among the groups gnomAD compares: Non-Finnish European, 0.00017%; no homozygotes.

Submissions (2):

Labcorp Genetics (formerly Invitae), Labcorp
Classification: Uncertain significance. Last evaluated: 2023-03-02. Review status: criteria provided, single submitter. Criteria: Invitae Variant Classification Sherloc (09022015). Collection method: clinical testing. Allele origin: germline.
Comment: This sequence change replaces asparagine, which is neutral and polar, with threonine, which is neutral and polar, at codon 494 of the MSH3 protein (p.Asn494Thr). This variant is present in population databases (rs747887435, gnomAD 0.002%). This variant has not been reported in the literature in individuals affected with MSH3-related conditions. ClinVar contains an entry for this variant (Variation ID: 1773569). An algorithm developed to predict the effect of missense changes on protein structure and function (PolyPhen-2) suggests that this variant is likely to be tolerated. In summary, the available evidence is currently insufficient to determine the role of this variant in disease. Therefore, it has been classified as a Variant of Uncertain Significance.

Ambry Genetics
Classification: Uncertain significance for Hereditary cancer-predisposing syndrome. Last evaluated: 2022-01-30. Review status: criteria provided, single submitter. Criteria: Ambry Variant Classification Scheme 2023. Collection method: clinical testing. Allele origin: germline.
Comment: The p.N494T variant (also known as c.1481A>C), located in coding exon 10 of the MSH3 gene, results from an A to C substitution at nucleotide position 1481. The asparagine at codon 494 is replaced by threonine, an amino acid with similar properties. This amino acid position is conserved. In addition, this alteration is predicted to be tolerated by in silico analysis. Since supporting evidence is limited at this time, the clinical significance of this alteration remains unclear.

NM_002439.5(MSH3):c.1481A>C (p.Asn494Thr)

Gene: MSH3 (mutS homolog 3; plus strand). Cytogenetic location: 5q14.1.
Variant type: single nucleotide variant.
Coding change: c.1481A>C on transcript NM_002439.5 (MANE Select); coding-DNA position 1481, A replaced by C.
Protein change: p.Asn494Thr; replaces asparagine 494 with threonine.
Molecular consequence: missense variant.
Genome position (GRCh38, 1-based): chr5:80,728,878, A>C. VCF-style: chr5-80728878-A-C. GRCh37 (hg19) VCF-style: chr5-80024697-A-C.
Other names: short protein forms N494T.
Identifiers: ClinVar variation 1773569 (VCV001773569.5), dbSNP rs747887435, ClinGen allele CA3327937.